The following is an entry in ClinVar:

NM_001492.6(GDF1):c.196T>C (p.Phe66Leu)

Genes: CERS1 (ceramide synthase 1; minus strand), GDF1 (growth differentiation factor 1; minus strand). Cytogenetic location: 19p13.11.
Variant type: single nucleotide variant.
Coding change: c.196T>C on transcript NM_001492.6 (MANE Select); coding-DNA position 196, T replaced by C.
Protein change: p.Phe66Leu; replaces phenylalanine 66 with leucine.
Molecular consequence: missense variant. On other transcripts: 3 prime UTR variant (2).
Genome position (GRCh38, 1-based): chr19:18,870,112, A>G on the plus strand (T>C on the coding strand, the complement: GDF1 is on the minus strand). VCF-style: chr19-18870112-A-G. GRCh37 (hg19) VCF-style: chr19-18980921-A-G.
Other names: c.*465T>C (NM_001387440.1, NM_021267.5); c.196T>C, p.Phe66Leu (NM_001387438.1); short protein forms F66L.
Identifiers: ClinVar variation 861589 (VCV000861589.8), dbSNP rs1172586632, ClinGen allele CA404863762.

ClinVar aggregate classification (germline): Uncertain significance (1 of 4 stars; one submission).

Allele frequency attached by ClinVar (database versions not stated): gnomAD exomes below 0.00001; TOPMed 0.00001.
gnomAD v4.1: 4 of 1,567,868 alleles (0.00026%); highest among the groups gnomAD compares: Admixed American, 0.0036%; no homozygotes.

Submission:

Labcorp Genetics (formerly Invitae), Labcorp
Classification: Uncertain significance. Last evaluated: 2022-06-13. Review status: criteria provided, single submitter. Criteria: Invitae Variant Classification Sherloc (09022015). Collection method: clinical testing. Allele origin: germline.
Comment: In summary, the available evidence is currently insufficient to determine the role of this variant in disease. Therefore, it has been classified as a Variant of Uncertain Significance. Algorithms developed to predict the effect of missense changes on protein structure and function are either unavailable or do not agree on the potential impact of this missense change (SIFT: "Tolerated"; PolyPhen-2: "Probably Damaging"; Align-GVGD: "Class C0"). ClinVar contains an entry for this variant (Variation ID: 861589). This variant has not been reported in the literature in individuals affected with GDF1-related conditions. This variant is not present in population databases (gnomAD no frequency). This sequence change replaces phenylalanine, which is neutral and non-polar, with leucine, which is neutral and non-polar, at codon 66 of the GDF1 protein (p.Phe66Leu).